The following is an entry in ClinVar:

ClinVar aggregate classification (germline): Likely pathogenic (1 of 4 stars; one submission).

Submission:

Labcorp Genetics (formerly Invitae), Labcorp
Classification: Likely pathogenic. Last evaluated: 2022-01-21. Review status: criteria provided, single submitter. Criteria: Invitae Variant Classification Sherloc (09022015). Collection method: clinical testing. Allele origin: germline.
Comment: Algorithms developed to predict the effect of missense changes on protein structure and function (SIFT, PolyPhen-2, Align-GVGD) all suggest that this variant is likely to be disruptive. In summary, the currently available evidence indicates that the variant is pathogenic, but additional data are needed to prove that conclusively. Therefore, this variant has been classified as Likely Pathogenic. This missense change has been observed in individual(s) with clinical features of metaphysical chondrodysplasia (Invitae). In at least one individual the variant was observed to be de novo. This variant is not present in population databases (gnomAD no frequency). This sequence change replaces leucine, which is neutral and non-polar, with proline, which is neutral and non-polar, at codon 652 of the COL10A1 protein (p.Leu652Pro).

NM_000493.4(COL10A1):c.1955T>C (p.Leu652Pro)

Genes: COL10A1 (collagen type X alpha 1 chain; minus strand), NT5DC1 (5'-nucleotidase domain containing 1; plus strand). Cytogenetic location: 6q22.1.
Variant type: single nucleotide variant.
Coding change: c.1955T>C on transcript NM_000493.4 (MANE Select); coding-DNA position 1955, T replaced by C.
Protein change: p.Leu652Pro; replaces leucine 652 with proline.
Molecular consequence: missense variant. On other transcripts: intron variant (1).
Genome position (GRCh38, 1-based): chr6:116,120,161, A>G on the plus strand (T>C on the coding strand, the complement: COL10A1 is on the minus strand). VCF-style: chr6-116120161-A-G. GRCh37 (hg19) VCF-style: chr6-116441324-A-G.
Other names: c.1955T>C, p.Leu652Pro (NM_001424106.1, NM_001424107.1); c.529+2216A>G (NM_152729.3); short protein forms L652P.
Identifiers: ClinVar variation 2066469 (VCV002066469.4), dbSNP rs2114276916, ClinGen allele CA365386323.